The following is an entry in ClinVar:

ClinVar aggregate classification (germline): Likely benign (1 of 4 stars; one submission).

gnomAD v4.1: 4 of 1,580,574 alleles (0.00025%); highest among the groups gnomAD compares: Non-Finnish European, 0.00017%; no homozygotes.

Submission:

CeGaT Center for Human Genetics Tuebingen
Classification: Likely benign. Last evaluated: 2025-06-01. Review status: criteria provided, single submitter. Criteria: CeGaT Center For Human Genetics Tuebingen Variant Classification Criteria Version 2. Collection method: clinical testing. Allele origin: germline. Affected: yes. Observed: 2 variant alleles.
Comment: ANKRD11: BP4, BP7

NM_013275.6(ANKRD11):c.5541G>T (p.Ser1847=)

Gene: ANKRD11 (ankyrin repeat domain 11; minus strand). Cytogenetic location: 16q24.3.
Variant type: single nucleotide variant.
Coding change: c.5541G>T on transcript NM_013275.6 (MANE Select); coding-DNA position 5541, G replaced by T.
Protein change: p.Ser1847=; no amino-acid change (serine 1847 retained).
Molecular consequence: synonymous variant.
Genome position (GRCh38, 1-based): chr16:89,281,001, C>A on the plus strand (G>T on the coding strand, the complement: ANKRD11 is on the minus strand). VCF-style: chr16-89281001-C-A. GRCh37 (hg19) VCF-style: chr16-89347409-C-A.
Other names: c.5541G>T, p.Ser1847= (NM_001256182.2, NM_001256183.2).
Identifiers: ClinVar variation 872528 (VCV000872528.41), dbSNP rs748945820, ClinGen allele CA497373972.